The following is an entry in ClinVar:

NM_001104631.2(PDE4D):c.1452+8T>C

Gene: PDE4D (phosphodiesterase 4D; minus strand). Cytogenetic location: 5q11.2.
Variant type: single nucleotide variant.
Coding change: c.1452+8T>C on transcript NM_001104631.2 (MANE Select); 8 bases into the intron after coding-DNA position 1452, T replaced by C.
Molecular consequence: intron variant.
Genome position (GRCh38, 1-based): chr5:58,989,747, A>G on the plus strand (T>C on the coding strand, the complement: PDE4D is on the minus strand). VCF-style: chr5-58989747-A-G. GRCh37 (hg19) VCF-style: chr5-58285574-A-G.
Other names: c.1269+8T>C (NM_001364599.1, NM_001165899.2); c.684+8T>C (NM_001349243.2, NM_001364604.1); c.1239+8T>C (NM_001349241.2); c.1260+8T>C (NM_001197218.2); c.546+8T>C (NM_001364603.1, NM_001197221.2); c.1044+8T>C (NM_006203.5); c.1122+8T>C (NM_001349242.2); c.1086+8T>C (NM_001197219.2); and 3 more.
Identifiers: ClinVar variation 353991 (VCV000353991.15), dbSNP rs78773396, ClinGen allele CA3276073.

ClinVar aggregate classification (germline): Benign. Review status: criteria provided, multiple submitters, no conflicts (2 of 4 stars). 4 submissions from 4 submitters: Benign (4). Last evaluated 2026-01-31.

Conditions:
Acrodysostosis 2 with or without hormone resistance. Also called: ACRODYSOSTOSIS 2 WITH HORMONE RESISTANCE; ACRODYSOSTOSIS 2 WITHOUT HORMONE RESISTANCE. Identifiers: Orphanet 280651, MedGen C3553250, MONDO:0013822, OMIM 614613.

Allele frequency attached by ClinVar (database versions not stated): gnomAD exomes 0.00510 and 0.00765; ExAC 0.01158; 1000 Genomes Project 0.01757; 1000 Genomes Project 30x 0.01936; gnomAD 0.02008 and 0.02142; ESP Exome Variant Server 0.02091; TOPMed 0.02299.
gnomAD v4.1: 10,545 of 1,573,938 alleles (0.67%); highest among the groups gnomAD compares: African/African-American, 5.8%; 169 homozygotes.

Submissions (4):

Labcorp Genetics (formerly Invitae), Labcorp
Classification: Benign. Last evaluated: 2026-01-31. Review status: criteria provided, single submitter. Criteria: Invitae Variant Classification Sherloc (09022015). Collection method: clinical testing. Allele origin: germline.

GeneDx
Classification: Benign. Last evaluated: 2018-07-14. Review status: criteria provided, single submitter. Criteria: GeneDx Variant Classification Process June 2021. Collection method: clinical testing. Allele origin: germline. Affected: yes.

Illumina Laboratory Services, Illumina
Classification: Benign for Acrodysostosis 2 with or without hormone resistance. Last evaluated: 2018-01-12. Review status: criteria provided, single submitter. Criteria: ICSL Variant Classification Criteria 13 December 2019. Collection method: clinical testing. Allele origin: germline.
Comment: This variant was observed in the ICSL laboratory as part of a predisposition screen in an ostensibly healthy population. It had not been previously curated by ICSL or reported in the Human Gene Mutation Database (HGMD: prior to June 1st, 2018), and was therefore a candidate for classification through an automated scoring system. Utilizing variant allele frequency, disease prevalence and penetrance estimates, and inheritance mode, an automated score was calculated to assess if this variant is too frequent to cause the disease. Based on the score and internal cut-off values, a variant classified as benign is not then subjected to further curation. The score for this variant resulted in a classification of benign for this disease.

Breakthrough Genomics
Classification: Benign. Review status: criteria provided, single submitter. Criteria: ACMG Guidelines, 2015. Collection method: not provided. Allele origin: germline. Inheritance: Autosomal dominant inheritance. Affected: yes.